The following is an entry in ClinVar:

ClinVar aggregate classification (germline): Uncertain significance (1 of 4 stars; one submission).

Conditions:
Generalized epilepsy-paroxysmal dyskinesia syndrome (PNKD3). Also called: Generalized epilepsy and paroxysmal dyskinesia; Paroxysmal nonkinesigenic dyskinesia, 3, with or without generalized epilepsy. Identifiers: Orphanet 79137, MedGen C5574945, MONDO:0012276, OMIM 609446.

gnomAD v4.1: 30 of 1,536,198 alleles (0.002%); highest among the groups gnomAD compares: African/African-American, 0.0055%; no homozygotes.

Submission:

Victorian Clinical Genetics Services, Murdoch Childrens Research Institute
Classification: Uncertain significance for Generalized epilepsy-paroxysmal dyskinesia syndrome. Last evaluated: 2020-05-21. Review status: criteria provided, single submitter. Criteria: ACMG Guidelines, 2015. Collection method: clinical testing. Allele origin: germline.
Comment: A heterozygous missense variant was identified, NM_001271522.1(KCNMA1):c.430G>A in exon 2 of 2 of the KCNMA1 gene (NB: this variant is non-coding in alternative transcripts). This substitution is predicted to create a major amino acid change from a glycine to an arginine at position 144 of the protein; NP_001258451.1(KCNMA1):p.(Gly144Arg). The glycine at this position has low conservation (100 vertebrates, UCSC), and is not situated in a known functional domain (NCBI, PDB). In silico software predicts this variant to be tolerated (PolyPhen, SIFT, CADD). The variant is present in the gnomAD population database at a frequency of 0.002% (3 heterozygotes; 0 homozygotes). An alternative residue change to alanine at the same location has also been reported in the gnomAD database at a frequency of 0.0007%. This variant has not previously been reported in clinical cases. Based on information available at the time of curation, this variant has been classified as a VUS with LOW CLINICAL RELEVANCE.

NM_001161352.2(KCNMA1):c.378+801G>A

Gene: KCNMA1 (potassium calcium-activated channel subfamily M alpha 1; minus strand). Cytogenetic location: 10q22.3.
Variant type: single nucleotide variant.
Coding change: c.378+801G>A on transcript NM_001161352.2 (MANE Select); 801 bases into the intron after coding-DNA position 378, G replaced by A.
Molecular consequence: intron variant. On other transcripts: 3 prime UTR variant (2), missense variant (1), synonymous variant (1).
Genome position (GRCh38, 1-based): chr10:77,636,464, C>T on the plus strand (G>A on the coding strand, the complement: KCNMA1 is on the minus strand). VCF-style: chr10-77636464-C-T. GRCh37 (hg19) VCF-style: chr10-79396222-C-T.
Other names: c.*279G>A (NM_001271520.2); c.*97G>A (NM_001271521.2); c.430G>A, p.Gly144Arg (NM_001271522.2); c.597G>A, p.Ala199= (NM_001322839.2); c.378+801G>A (NM_001271518.2, NM_001322832.2, NM_001410940.1 and 9 more transcripts); short protein forms G144R.
Identifiers: ClinVar variation 3377459 (VCV003377459.1).